The following is an entry in ClinVar:

ClinVar aggregate classification (germline): Conflicting classifications of pathogenicity. Review status: criteria provided, conflicting classifications (1 of 4 stars). 4 submissions from 4 submitters: Uncertain significance (3); Likely benign (1). Last evaluated 2025-03-10.

Allele frequency attached by ClinVar (database versions not stated): gnomAD 0.00005; TOPMed 0.00005; ESP Exome Variant Server 0.00017.

Submissions (4):

Labcorp Genetics (formerly Invitae), Labcorp
Classification: Likely benign. Last evaluated: 2025-03-10. Review status: criteria provided, single submitter. Criteria: Invitae Variant Classification Sherloc (09022015). Collection method: clinical testing. Allele origin: germline.

Revvity Omics, Revvity
Classification: Uncertain significance. Last evaluated: 2023-04-12. Review status: criteria provided, single submitter. Criteria: ACMG Guidelines, 2015. Collection method: clinical testing. Allele origin: germline.

Mayo Clinic Laboratories, Mayo Clinic
Classification: Uncertain significance. Last evaluated: 2023-01-26. Review status: criteria provided, single submitter. Criteria: ACMG Guidelines, 2015. Collection method: clinical testing. Allele origin: germline. Observed: 2 variant alleles.
Comment: PM2

ARUP Laboratories, Molecular Genetics and Genomics, ARUP Laboratories
Classification: Uncertain significance. Last evaluated: 2019-09-04. Review status: criteria provided, single submitter. Criteria: ARUP Molecular Germline Variant Investigation Process. Collection method: clinical testing. Allele origin: germline.

NM_003126.4(SPTA1):c.1669C>T (p.Arg557Cys)

Gene: SPTA1 (spectrin alpha, erythrocytic 1; minus strand). Cytogenetic location: 1q23.1.
Variant type: single nucleotide variant.
Coding change: c.1669C>T on transcript NM_003126.4 (MANE Select); coding-DNA position 1669, C replaced by T.
Protein change: p.Arg557Cys; replaces arginine 557 with cysteine.
Molecular consequence: missense variant.
Genome position (GRCh38, 1-based): chr1:158,669,717, G>A on the plus strand (C>T on the coding strand, the complement: SPTA1 is on the minus strand). VCF-style: chr1-158669717-G-A. GRCh37 (hg19) VCF-style: chr1-158639507-G-A.
Other names: p.Arg557Cys; c.1669C>T (NM_003126.2); short protein forms R557C.
Identifiers: ClinVar variation 995594 (VCV000995594.12), dbSNP rs143816549, ClinGen allele CA1183675.
Genomic context (GRCh38, chr1:158,669,717, plus strand): 5'-CTTCTTGATTCTAGTGTGTAGGCACACAGAAGCTCTAGGCCCTTGGACATACCCCGTCAC[G>A]GATAGCCTTGATGTTCTCTGAATCATAATGGTCATCACCAATCAATTTGGTTGCAGTCTT-3'
Protein context (NP_003117.2, residues 547-567): HYDSENIKAI[Arg557Cys]DGLLARRDAL